The following is an entry in ClinVar:

ClinVar aggregate classification (germline): Conflicting classifications of pathogenicity. Review status: criteria provided, conflicting classifications (1 of 4 stars). 6 submissions from 6 submitters: Uncertain significance (5); Likely benign (1). Last evaluated 2024-03-10.

Conditions:
Hereditary cancer. Identifiers: MedGen C1333600.
Hereditary cancer-predisposing syndrome. Also called: Hereditary Cancer Syndrome; Neoplastic Syndromes, Hereditary; Tumor predisposition; Hereditary neoplastic syndrome. Identifiers: Orphanet 140162, MedGen C0027672, MeSH D009386, MONDO:0015356.
Familial adenomatous polyposis 1 (FAP1). Also called: POLYPOSIS, ADENOMATOUS INTESTINAL; FAMILIAL ADENOMATOUS POLYPOSIS 1, ATTENUATED. Identifiers: MedGen C2713442, MONDO:0021056, OMIM 175100. Disease mechanism: loss of function.

Allele frequency attached by ClinVar (database versions not stated): gnomAD exomes below 0.00001; TOPMed below 0.00001; gnomAD 0.00001.
gnomAD v4.1: 2 of 1,613,180 alleles (0.00012%); highest among the groups gnomAD compares: Admixed American, 0.0017%; no homozygotes.

Submissions (6):

Labcorp Genetics (formerly Invitae), Labcorp
Classification: Uncertain significance for Familial adenomatous polyposis 1. Last evaluated: 2024-03-10. Review status: criteria provided, single submitter. Criteria: Invitae Variant Classification Sherloc (09022015). Collection method: clinical testing. Allele origin: germline.
Comment: This sequence change replaces arginine, which is basic and polar, with threonine, which is neutral and polar, at codon 527 of the APC protein (p.Arg527Thr). This variant is not present in population databases (gnomAD no frequency). This missense change has been observed in individual(s) with breast cancer (PMID: 35264596). ClinVar contains an entry for this variant (Variation ID: 490215). Advanced modeling of protein sequence and biophysical properties (such as structural, functional, and spatial information, amino acid conservation, physicochemical variation, residue mobility, and thermodynamic stability) performed at Invitae indicates that this missense variant is not expected to disrupt APC protein function with a negative predictive value of 95%. In summary, the available evidence is currently insufficient to determine the role of this variant in disease. Therefore, it has been classified as a Variant of Uncertain Significance.

Baylor Genetics
Classification: Uncertain significance for Familial adenomatous polyposis 1. Last evaluated: 2024-02-06. Review status: criteria provided, single submitter. Criteria: ACMG Guidelines, 2015. Collection method: clinical testing. Allele origin: unknown.

Mendelics
Classification: Likely benign for Hereditary cancer. Last evaluated: 2024-01-23. Review status: criteria provided, single submitter. Criteria: ACMG Guidelines, 2015. Collection method: clinical testing. Allele origin: unknown.

Color Diagnostics, LLC DBA Color Health
Classification: Uncertain significance for Hereditary cancer-predisposing syndrome. Last evaluated: 2023-12-05. Review status: criteria provided, single submitter. Criteria: ACMG Guidelines, 2015. Collection method: clinical testing. Allele origin: germline.
Comment: This missense variant replaces arginine with threonine at codon 527 of the APC protein. Computational prediction is inconclusive regarding the impact of this variant on protein structure and function (internally defined REVEL score threshold 0.5 < inconclusive < 0.7, PMID: 27666373). To our knowledge, functional studies have not been reported for this variant. This variant has not been reported in individuals affected with APC-related disorders in the literature. This variant has not been identified in the general population by the Genome Aggregation Database (gnomAD). The available evidence is insufficient to determine the role of this variant in disease conclusively. Therefore, this variant is classified as a Variant of Uncertain Significance.

Ambry Genetics
Classification: Uncertain significance for Hereditary cancer-predisposing syndrome. Last evaluated: 2023-05-16. Review status: criteria provided, single submitter. Criteria: Ambry Variant Classification Scheme 2023. Collection method: clinical testing. Allele origin: germline.
Comment: The p.R527T variant (also known as c.1580G>C), located in coding exon 12 of the APC gene, results from a G to C substitution at nucleotide position 1580. The arginine at codon 527 is replaced by threonine, an amino acid with similar properties. This alteration was detected in a cohort of 1663 Brazilian breast cancer patients who underwent hereditary multigene panel testing (Guindalini RSC et al. Sci Rep, 2022 Mar;12:4190). This amino acid position is highly conserved in available vertebrate species. In addition, in silico predictors for this gene do not accurately predict pathogenicity. Since supporting evidence is limited at this time, the clinical significance of this alteration remains unclear.

Women's Health and Genetics/Laboratory Corporation of America, LabCorp
Classification: Uncertain significance. Last evaluated: 2022-09-30. Review status: criteria provided, single submitter. Criteria: LabCorp Variant Classification Summary - May 2015. Collection method: clinical testing. Allele origin: germline.

Literature cited by the submitters: PubMed 35264596 (cited by Labcorp Genetics (formerly Invitae), Labcorp and Ambry Genetics).

NM_000038.6(APC):c.1580G>C (p.Arg527Thr)

Gene: APC (APC regulator of Wnt signaling pathway; plus strand). Cytogenetic location: 5q22.2.
Variant type: single nucleotide variant.
Coding change: c.1580G>C on transcript NM_000038.6 (MANE Select); coding-DNA position 1580, G replaced by C.
Protein change: p.Arg527Thr; replaces arginine 527 with threonine.
Molecular consequence: missense variant.
Genome position (GRCh38, 1-based): chr5:112,827,960, G>C. VCF-style: chr5-112827960-G-C. GRCh37 (hg19) VCF-style: chr5-112163657-G-C.
Other names: c.1580G>C, p.Arg527Thr (NM_001127510.3, NM_001354895.2); c.1526G>C, p.Arg509Thr (NM_001127511.3); c.1634G>C, p.Arg545Thr (NM_001354896.2); c.1610G>C, p.Arg537Thr (NM_001354897.2); c.1505G>C, p.Arg502Thr (NM_001354898.2); c.1496G>C, p.Arg499Thr (NM_001354899.2); c.1457G>C, p.Arg486Thr (NM_001354900.2); c.1403G>C, p.Arg468Thr (NM_001354901.2); and 5 more; short protein forms R509T, R527T, R426T, R499T, R545T, R401T, R486T, R502T.
Identifiers: ClinVar variation 490215 (VCV000490215.21), dbSNP rs1554081889, ClinGen allele CA16024760.
Genomic context (GRCh38, chr5:112,827,960, plus strand): 5'-TGATCCTCTATTCTGTATTTAATTTACAGGCTACGCTATGCTCTATGAAAGGCTGCATGA[G>C]AGCACTTGTGGCCCAACTAAAATCTGAAAGTGAAGACTTACAGCAGGTACTATTTAGAAT-3'
Protein context (NP_000029.2, residues 517-537): ATLCSMKGCM[Arg527Thr]ALVAQLKSES